The following is an entry in ClinVar:

NM_000535.7(PMS2):c.1616C>T (p.Ala539Val)

Gene: PMS2 (PMS1 homolog 2, mismatch repair system component; minus strand). Cytogenetic location: 7p22.1.
Variant type: single nucleotide variant.
Coding change: c.1616C>T on transcript NM_000535.7 (MANE Select); coding-DNA position 1616, C replaced by T.
Protein change: p.Ala539Val; replaces alanine 539 with valine.
Molecular consequence: missense variant. On other transcripts: non-coding transcript variant (1).
Genome position (GRCh38, 1-based): chr7:5,987,149, G>A on the plus strand (C>T on the coding strand, the complement: PMS2 is on the minus strand). VCF-style: chr7-5987149-G-A. GRCh37 (hg19) VCF-style: chr7-6026780-G-A.
Other names: c.1211C>T, p.Ala404Val (NM_001322003.2, NM_001322004.2, NM_001322005.2 and 1 more transcripts); c.1460C>T, p.Ala487Val (NM_001322006.2); c.1298C>T, p.Ala433Val (NM_001322007.2, NM_001322008.2); c.1055C>T, p.Ala352Val (NM_001322010.2); c.683C>T, p.Ala228Val (NM_001322011.2, NM_001322012.2); c.1043C>T, p.Ala348Val (NM_001322013.2); c.1616C>T, p.Ala539Val (NM_001322014.2); c.1307C>T, p.Ala436Val (NM_001322015.2); short protein forms A539V, A352V, A404V, A436V, A348V, A487V, A228V, A433V.
Identifiers: ClinVar variation 480353 (VCV000480353.27), dbSNP rs138222146, ClinGen allele CA044643.

ClinVar aggregate classification (germline): Conflicting classifications of pathogenicity. Review status: criteria provided, conflicting classifications (1 of 4 stars). 9 submissions from 9 submitters: Uncertain significance (5); Likely benign (4). Last evaluated 2026-01-01.

Conditions:
Hereditary nonpolyposis colorectal neoplasms. Identifiers: MedGen C0009405, MeSH D003123.
Hereditary cancer-predisposing syndrome. Also called: Hereditary neoplastic syndrome; Tumor predisposition; Neoplastic Syndromes, Hereditary; Hereditary Cancer Syndrome. Identifiers: Orphanet 140162, MedGen C0027672, MeSH D009386, MONDO:0015356.
Lynch syndrome. Identifiers: Orphanet 144, MedGen C4552100, MONDO:0005835. Disease mechanism: loss of function.

Allele frequency attached by ClinVar (database versions not stated): TOPMed 0.00001; gnomAD 0.00003; ESP Exome Variant Server 0.00008.
gnomAD v4.1: 34 of 1,613,618 alleles (0.0021%); highest among the groups gnomAD compares: African/African-American, 0.0053%; no homozygotes.

Submissions (9):

CeGaT Center for Human Genetics Tuebingen
Classification: Uncertain significance. Last evaluated: 2026-01-01. Review status: criteria provided, single submitter. Criteria: CeGaT Center For Human Genetics Tuebingen Variant Classification Criteria Version 2. Collection method: clinical testing. Allele origin: germline. Affected: yes. Observed: 1 variant allele.
Comment: PMS2: PM2, BP4

Labcorp Genetics (formerly Invitae), Labcorp
Classification: Likely benign for Hereditary nonpolyposis colorectal neoplasms. Last evaluated: 2025-10-22. Review status: criteria provided, single submitter. Criteria: Invitae Variant Classification Sherloc (09022015). Collection method: clinical testing. Allele origin: germline.

Quest Diagnostics Nichols Institute San Juan Capistrano
Classification: Uncertain significance. Last evaluated: 2025-07-22. Review status: criteria provided, single submitter. Criteria: Quest Diagnostics criteria. Collection method: clinical testing. Allele origin: unknown.
Comment: The PMS2 c.1616C>T (p.Ala539Val) variant has been observed in the published literature in an individual with breast cancer and a reportedly healthy individual (PMID: 33471991 (2021), see also LOVD). The frequency of this variant in the general population (Genome Aggregation Database) is uninformative in the assessment of its pathogenicity. Analysis of this variant using bioinformatics tools for the prediction of the effect of amino acid changes on protein structure and function yielded predictions that this variant is benign. Based on the available information, we are unable to determine the clinical significance of this variant.

Color Diagnostics, LLC DBA Color Health
Classification: Likely benign for Hereditary cancer-predisposing syndrome. Last evaluated: 2024-10-17. Review status: criteria provided, single submitter. Criteria: ACMG Guidelines, 2015. Collection method: clinical testing. Allele origin: germline.

All of Us Research Program, National Institutes of Health
Classification: Likely benign for Lynch syndrome. Last evaluated: 2024-09-25. Review status: criteria provided, single submitter. Criteria: ACMG Guidelines, 2015. Collection method: clinical testing. Allele origin: germline. Inheritance: Autosomal dominant inheritance. Observed: 6 variant alleles, 6 heterozygotes.
Comment: This study involves interpretation of variants in research participants for the purpose of population health screening. Participant phenotype was not available at the time of variant classification. Additional details can be found in publication PMID: 35346344, PMCID: PMC8962531

ARUP Laboratories, Molecular Genetics and Genomics, ARUP Laboratories
Classification: Uncertain significance. Last evaluated: 2023-11-11. Review status: criteria provided, single submitter. Criteria: ARUP Molecular Germline Variant Investigation Process 2024. Collection method: clinical testing. Allele origin: germline.
Comment: The PMS2 c.1616C>T p.Ala539Val variant (rs138222146), to our knowledge, is not reported in the medical literature but is reported in ClinVar (Variation ID: 480353). This variant is found in the general population with an overall allele frequency of 0.001% (3/282154 alleles) in the Genome Aggregation Database. Computational analyses predict that this variant is neutral (REVEL: 0.139). Due to limited information, the clinical significance of this variant is uncertain at this time.

Department of Pathology and Laboratory Medicine, Sinai Health System
Classification: Uncertain significance for Lynch syndrome. Last evaluated: 2022-12-06. Review status: criteria provided, single submitter. Criteria: ACMG Guidelines, 2015. Collection method: clinical testing. Allele origin: germline. Affected: yes.

GeneDx
Classification: Uncertain significance. Last evaluated: 2022-09-05. Review status: criteria provided, single submitter. Criteria: GeneDx Variant Classification Process June 2021. Collection method: clinical testing. Allele origin: germline. Affected: yes.
Comment: Not observed at significant frequency in large population cohorts (gnomAD); In silico analysis supports that this missense variant does not alter protein structure/function; Has not been previously published as pathogenic or benign to our knowledge

Ambry Genetics
Classification: Likely benign for Hereditary cancer-predisposing syndrome. Last evaluated: 2018-08-22. Review status: criteria provided, single submitter. Criteria: Ambry Variant Classification Scheme 2023. Collection method: clinical testing. Allele origin: germline.

Literature cited by the submitters: PubMed 33471991 (cited by Quest Diagnostics Nichols Institute San Juan Capistrano).